The following is an entry in ClinVar:

NM_001378454.1(ALMS1):c.5374_5375delinsAT (p.Ala1792Ile)

Gene: ALMS1 (ALMS1 centrosome and basal body associated protein; plus strand). Cytogenetic location: 2p13.1.
Variant type: Indel.
Coding change: c.5374_5375delinsAT on transcript NM_001378454.1 (MANE Select); coding-DNA positions 5374 to 5375, GC replaced by AT.
Protein change: p.Ala1792Ile; replaces alanine 1792 with isoleucine.
Molecular consequence: missense variant.
Genome position (GRCh38, 1-based): chr2:73,451,901-73,451,902, GC replaced by AT. VCF-style: chr2-73451901-GC-AT. GRCh37 (hg19) VCF-style: chr2-73679028-GC-AT.
Other names: c.5377_5378delGCinsAT (NM_015120.4); c.5377_5378delinsAT, p.Ala1793Ile (NM_015120.4); short protein forms A1792I, A1793I.
Identifiers: ClinVar variation 429278 (VCV000429278.13), dbSNP rs1131691296, ClinGen allele CA645369307.

ClinVar aggregate classification (germline): Conflicting classifications of pathogenicity. Review status: criteria provided, conflicting classifications (1 of 4 stars). 5 submissions from 5 submitters: Uncertain significance (4); Likely benign (1). Last evaluated 2026-03-03.

Conditions:
Cardiovascular phenotype. Identifiers: MedGen CN230736.
Alstrom syndrome (ALMS). Identifiers: Orphanet 64, MedGen C0268425, MONDO:0008763, OMIM 203800.

Submissions (5):

Women's Health and Genetics/Laboratory Corporation of America, LabCorp
Classification: Uncertain significance. Last evaluated: 2026-03-03. Review status: criteria provided, single submitter. Criteria: LabCorp Variant Classification Summary - May 2015. Collection method: clinical testing. Allele origin: germline.
Comment: Variant summary: ALMS1 c.5371_5372delinsAT (p.Ala1791Ile), also named c.5377_5378delinsAT (p.Ala1793Ile), results in a non-conservative amino acid change in the encoded protein sequence. Algorithms developed to predict the effect of missense changes on protein structure and function are either unavailable or do not agree on the potential impact of this missense change. The variant allele was found as a multinucleotide variant (2-73679028-GC-AT) at a frequency of 6.4e-05 in 280570 control chromosomes. This frequency is not significantly higher than estimated for disease-causing variants in ALMS1, allowing no conclusion about variant significance. To our knowledge, no occurrence of c.5371_5372delinsAT in individuals affected with ALMS1-related conditions and no experimental evidence demonstrating its impact on protein function have been reported. ClinVar contains an entry for this variant (Variation ID: 429278). Based on the evidence outlined above, the variant was classified as uncertain significance.

GeneDx
Classification: Uncertain significance. Last evaluated: 2024-12-03. Review status: criteria provided, single submitter. Criteria: GeneDx Variant Classification Process June 2021. Collection method: clinical testing. Allele origin: germline. Affected: yes.
Comment: In silico analysis indicates that this variant does not alter protein structure/function; Has not been previously published as pathogenic or benign to our knowledge

Ambry Genetics
Classification: Likely benign for Cardiovascular phenotype. Last evaluated: 2023-04-17. Review status: criteria provided, single submitter. Criteria: Ambry Variant Classification Scheme 2023. Collection method: clinical testing. Allele origin: germline.

Labcorp Genetics (formerly Invitae), Labcorp
Classification: Uncertain significance for Alstrom syndrome. Last evaluated: 2022-10-25. Review status: criteria provided, single submitter. Criteria: Invitae Variant Classification Sherloc (09022015). Collection method: clinical testing. Allele origin: germline.
Comment: This sequence change replaces alanine, which is neutral and non-polar, with isoleucine, which is neutral and non-polar, at codon 1793 of the ALMS1 protein (p.Ala1793Ile). This variant is present in population databases (no rsID available, gnomAD 0.6%). This variant has not been reported in the literature in individuals affected with ALMS1-related conditions. ClinVar contains an entry for this variant (Variation ID: 429278). Experimental studies and prediction algorithms are not available or were not evaluated, and the functional significance of this variant is currently unknown. In summary, the available evidence is currently insufficient to determine the role of this variant in disease. Therefore, it has been classified as a Variant of Uncertain Significance.

Fulgent Genetics
Classification: Uncertain significance for Alstrom syndrome. Last evaluated: 2022-01-12. Review status: criteria provided, single submitter. Criteria: ACMG Guidelines, 2015. Collection method: clinical testing. Allele origin: unknown.